The following is an entry in ClinVar:

NM_032638.5(GATA2):c.820C>T (p.Pro274Ser)

Gene: GATA2 (GATA binding protein 2; minus strand). Cytogenetic location: 3q21.3.
Variant type: single nucleotide variant.
Coding change: c.820C>T on transcript NM_032638.5 (MANE Select); coding-DNA position 820, C replaced by T.
Protein change: p.Pro274Ser; replaces proline 274 with serine.
Molecular consequence: missense variant.
Genome position (GRCh38, 1-based): chr3:128,485,778, G>A on the plus strand (C>T on the coding strand, the complement: GATA2 is on the minus strand). VCF-style: chr3-128485778-G-A. GRCh37 (hg19) VCF-style: chr3-128204621-G-A.
Other names: c.820C>T, p.Pro274Ser (NM_001145661.2, NM_001145662.1); short protein forms P274S.
Identifiers: ClinVar variation 4028491 (VCV004028491.1).

ClinVar aggregate classification (germline): Uncertain significance (1 of 4 stars; one submission).

Conditions:
Inborn genetic diseases. Identifiers: MedGen C0950123, MeSH D030342.

Submission:

Ambry Genetics
Classification: Uncertain significance for Inborn genetic diseases. Last evaluated: 2025-04-18. Review status: criteria provided, single submitter. Criteria: Ambry Variant Classification Scheme 2023. Collection method: clinical testing. Allele origin: germline.
Comment: The p.P274S variant (also known as c.820C>T), located in coding exon 2 of the GATA2 gene, results from a C to T substitution at nucleotide position 820. The proline at codon 274 is replaced by serine, an amino acid with similar properties. This amino acid position is conserved. In addition, the in silico prediction for this alteration is inconclusive. Based on the available evidence, the clinical significance of this variant remains unclear.